The following is an entry in ClinVar:

ClinVar aggregate classification (germline): Uncertain significance (1 of 4 stars; one submission).

Allele frequency attached by ClinVar (database versions not stated): TOPMed 0.00003; gnomAD 0.00004 and 0.00005; gnomAD exomes 0.00022; ExAC 0.00029; 1000 Genomes Project 0.00040; 1000 Genomes Project 30x 0.00047.

Submission:

Labcorp Genetics (formerly Invitae), Labcorp
Classification: Uncertain significance. Last evaluated: 2025-12-13. Review status: criteria provided, single submitter. Criteria: Invitae Variant Classification Sherloc (09022015). Collection method: clinical testing. Allele origin: germline.
Comment: This sequence change replaces alanine, which is neutral and non-polar, with threonine, which is neutral and polar, at codon 349 of the KANK2 protein (p.Ala349Thr). This variant is present in population databases (rs537320085, gnomAD 0.2%), and has an allele count higher than expected for a pathogenic variant. This variant has not been reported in the literature in individuals affected with KANK2-related conditions. ClinVar contains an entry for this variant (Variation ID: 1394225). An algorithm developed to predict the effect of missense changes on protein structure and function outputs the following: PolyPhen-2: "Benign". The threonine amino acid residue is found in multiple mammalian species, which suggests that this missense change does not adversely affect protein function. In summary, the available evidence is currently insufficient to determine the role of this variant in disease. Therefore, it has been classified as a Variant of Uncertain Significance.

NM_001136191.3(KANK2):c.1045G>A (p.Ala349Thr)

Gene: KANK2 (KN motif and ankyrin repeat domains 2; minus strand). Cytogenetic location: 19p13.2.
Variant type: single nucleotide variant.
Coding change: c.1045G>A on transcript NM_001136191.3 (MANE Select); coding-DNA position 1045, G replaced by A.
Protein change: p.Ala349Thr; replaces alanine 349 with threonine.
Molecular consequence: missense variant.
Genome position (GRCh38, 1-based): chr19:11,193,035, C>T on the plus strand (G>A on the coding strand, the complement: KANK2 is on the minus strand). VCF-style: chr19-11193035-C-T. GRCh37 (hg19) VCF-style: chr19-11303711-C-T.
Other names: c.1045G>A, p.Ala349Thr (NM_001329451.2, NM_001379548.1, NM_001379549.1 and 15 more transcripts); short protein forms A349T.
Identifiers: ClinVar variation 1394225 (VCV001394225.6), dbSNP rs537320085, ClinGen allele CA9205913.
Genomic context (GRCh38, chr19:11,193,035, plus strand): 5'-TTGCCAGGGCCCTCAGCCCTGTGCCGTAAGGCTCCAGGCTCTGGGCCCGCTGTGCGGGGG[C>T]GCCAGCGGCTGTGCTGGCCACCACCTCCACCTCCCGTGGCCCTTCTACCACCCGGACTGT-3'
Protein context (NP_001129663.1, residues 339-359): VEVVASTAAG[Ala349Thr]PAQRAQSLEP